The following is an entry in ClinVar:

NM_000719.7(CACNA1C):c.3347G>C (p.Gly1116Ala)

Gene: CACNA1C (calcium voltage-gated channel subunit alpha1 C; plus strand). Cytogenetic location: 12p13.33.
Variant type: single nucleotide variant.
Coding change: c.3347G>C on transcript NM_000719.7 (MANE Select); coding-DNA position 3347, G replaced by C.
Protein change: p.Gly1116Ala; replaces glycine 1116 with alanine.
Molecular consequence: missense variant.
Genome position (GRCh38, 1-based): chr12:2,607,121, G>C. VCF-style: chr12-2607121-G-C. GRCh37 (hg19) VCF-style: chr12-2716287-G-C.
Other names: c.3407G>C, p.Gly1136Ala (NM_001129827.2, NM_001129832.2, NM_199460.4); c.3347G>C, p.Gly1116Ala (NM_001129829.2, NM_001129830.3, NM_001129831.2 and 15 more transcripts); c.3338G>C, p.Gly1113Ala (NM_001129844.2); short protein forms G1116A, G1136A, G1113A.
Identifiers: ClinVar variation 238173 (VCV000238173.8), dbSNP rs878854141, ClinGen allele CA10583043.

ClinVar aggregate classification (germline): Uncertain significance (1 of 4 stars; one submission).

Conditions:
Long QT syndrome (LQTS). Identifiers: MedGen C0023976, MeSH D008133, MONDO:0002442. Disease mechanism: loss of function. Inheritance: Various modes of inheritance.

Allele frequency attached by ClinVar (database versions not stated): gnomAD exomes below 0.00001.
gnomAD v4.1: 2 of 1,612,212 alleles (0.00012%); highest among the groups gnomAD compares: African/African-American, 0.0013%; no homozygotes.

Submission:

Labcorp Genetics (formerly Invitae), Labcorp
Classification: Uncertain significance for Long QT syndrome. Last evaluated: 2021-09-01. Review status: criteria provided, single submitter. Criteria: Invitae Variant Classification Sherloc (09022015). Collection method: clinical testing. Allele origin: germline.
Comment: This sequence change replaces glycine with alanine at codon 1116 of the CACNA1C protein (p.Gly1116Ala). The glycine residue is highly conserved and there is a small physicochemical difference between glycine and alanine. This variant is not present in population databases (ExAC no frequency). This variant has not been reported in the literature in individuals affected with CACNA1C-related conditions. ClinVar contains an entry for this variant (Variation ID: 238173). Algorithms developed to predict the effect of missense changes on protein structure and function are either unavailable or do not agree on the potential impact of this missense change (SIFT: "Deleterious"; PolyPhen-2: "Probably Damaging"; Align-GVGD: "Class C0"). In summary, the available evidence is currently insufficient to determine the role of this variant in disease. Therefore, it has been classified as a Variant of Uncertain Significance.